The following is an entry in ClinVar:

NM_005445.4(SMC3):c.2018A>G (p.Lys673Arg)

Gene: SMC3 (structural maintenance of chromosomes 3; plus strand). Cytogenetic location: 10q25.2.
Variant type: single nucleotide variant.
Coding change: c.2018A>G on transcript NM_005445.4 (MANE Select); coding-DNA position 2018, A replaced by G.
Protein change: p.Lys673Arg; replaces lysine 673 with arginine.
Molecular consequence: missense variant.
Genome position (GRCh38, 1-based): chr10:110,596,452, A>G. VCF-style: chr10-110596452-A-G. GRCh37 (hg19) VCF-style: chr10-112356210-A-G.
Other names: short protein forms K673R.
Identifiers: ClinVar variation 2572442 (VCV002572442.1), dbSNP rs2493138211, ClinGen allele CA378391740.

ClinVar aggregate classification (germline): Uncertain significance (1 of 4 stars; one submission).

Conditions:
Cornelia de Lange syndrome 3 (CDLS3). Also called: CORNELIA DE LANGE SYNDROME 3 WITH OR WITHOUT MIDLINE BRAIN DEFECTS; SMC3-Related Cornelia de Lange Syndrome. Identifiers: Orphanet 199, MedGen C1853099, MONDO:0012555, OMIM 610759.

Submission:

3billion
Classification: Uncertain significance for Cornelia de Lange syndrome 3. Review status: criteria provided, single submitter. Criteria: ACMG Guidelines, 2015. Collection method: clinical testing. Allele origin: unknown. Affected: yes. Observed: 1 heterozygote.
Comment: The variant is not observed in the gnomAD v2.1.1 dataset. This variant is classified as Uncertain significance according to the recommendation of ACMG/AMP guideline.